The following is an entry in ClinVar:

NM_003119.4(SPG7):c.50C>T (p.Pro17Leu)

Genes: SPG7 (SPG7 matrix AAA peptidase subunit, paraplegin; plus strand), LOC130059818 (ATAC-STARR-seq lymphoblastoid silent region 7911; plus strand). Cytogenetic location: 16q24.3.
Variant type: single nucleotide variant.
Coding change: c.50C>T on transcript NM_003119.4 (MANE Select); coding-DNA position 50, C replaced by T.
Protein change: p.Pro17Leu; replaces proline 17 with leucine.
Molecular consequence: missense variant.
Genome position (GRCh38, 1-based): chr16:89,508,467, C>T. VCF-style: chr16-89508467-C-T. GRCh37 (hg19) VCF-style: chr16-89574875-C-T.
Other names: c.50C>T, p.Pro17Leu (NM_001363850.1, NM_199367.3); short protein forms P17L.
Identifiers: ClinVar variation 2181688 (VCV002181688.4), dbSNP rs956304326, ClinGen allele CA286519225.
Genomic context (GRCh38, chr16:89,508,467, plus strand): 5'-TTCAGGCCAACATGGCCGTGCTGCTGCTGCTGCTCCGTGCCCTCCGCCGGGGTCCAGGCC[C>T]GGGTCCTCGGCCGCTGTGGGGCCCAGGCCCGGCCTGGAGTCCAGGGTTCCCCGCCAGGCC-3'
Protein context (NP_003110.1, residues 7-27): LLRALRRGPG[Pro17Leu]GPRPLWGPGP

ClinVar aggregate classification (germline): Uncertain significance (1 of 4 stars; one submission).

Conditions:
Hereditary spastic paraplegia 7 (SPG7). Also called: Spastic paraplegia 7; Hereditary spastic paraplegia Paraplegin type; SPG7-related neurologic disorder; SPASTIC PARAPLEGIA 7, AUTOSOMAL RECESSIVE, WITH OR WITHOUT CEREBELLAR ATAXIA; Autosomal recessive spastic paraplegia type 7. Identifiers: Orphanet 99013, MedGen C1846564, MONDO:0011803, OMIM 607259.

Allele frequency attached by ClinVar (database versions not stated): gnomAD 0.00002.
gnomAD v4.1: 13 of 1,508,036 alleles (0.00086%); highest among the groups gnomAD compares: African/African-American, 0.0043%; no homozygotes.

Submission:

Labcorp Genetics (formerly Invitae), Labcorp
Classification: Uncertain significance for Hereditary spastic paraplegia 7. Last evaluated: 2022-03-16. Review status: criteria provided, single submitter. Criteria: Invitae Variant Classification Sherloc (09022015). Collection method: clinical testing. Allele origin: germline.
Comment: This variant has not been reported in the literature in individuals affected with SPG7-related conditions. In summary, the available evidence is currently insufficient to determine the role of this variant in disease. Therefore, it has been classified as a Variant of Uncertain Significance. Advanced modeling of protein sequence and biophysical properties (such as structural, functional, and spatial information, amino acid conservation, physicochemical variation, residue mobility, and thermodynamic stability) performed at Invitae indicates that this missense variant is not expected to disrupt SPG7 protein function. This variant is present in population databases (no rsID available, gnomAD 0.004%). This sequence change replaces proline, which is neutral and non-polar, with leucine, which is neutral and non-polar, at codon 17 of the SPG7 protein (p.Pro17Leu).